The following is an entry in ClinVar:

NM_017780.4(CHD7):c.5414_5422dup (p.Ser1808Ter)

Gene: CHD7 (chromodomain helicase DNA binding protein 7; plus strand). Cytogenetic location: 8q12.2.
Variant type: Duplication.
Coding change: c.5414_5422dup on transcript NM_017780.4 (MANE Select); coding-DNA positions 5414 to 5422, 9 bases duplicated (AGTACAACT; older notation c.5414_5422dupAGTACAACT).
Protein change: p.Ser1808Ter; replaces serine 1808 with a stop codon.
Molecular consequence: nonsense. On other transcripts: intron variant (1).
Genome position (GRCh38, 1-based): chr8:60,850,502-60,850,510, AGTACAACT duplicated. VCF-style (leftmost placement, unchanged base first): chr8-60850501-A-AAGTACAACT. GRCh37 (hg19) VCF-style: chr8-61763060-A-AAGTACAACT.
Other names: c.1717-11727_1717-11719dup (NM_001316690.1); short protein forms S1808*.
Identifiers: ClinVar variation 1351009 (VCV001351009.6), dbSNP rs2150804625, ClinGen allele CA2573143253.

ClinVar aggregate classification (germline): Pathogenic (1 of 4 stars; one submission).

Conditions:
CHARGE syndrome (CHARGE). Also called: Hittner Hirsch Kreh syndrome; CHARGE ASSOCIATION--COLOBOMA, HEART ANOMALY, CHOANAL ATRESIA, RETARDATION, GENITAL AND EAR ANOMALIES; Coloboma, heart anomaly, choanal atresia, retardation, genital and ear anomalies; CHARGE association; Hall-Hittner syndrome. Identifiers: Orphanet 138, MedGen C0265354, MONDO:0008965.

Submission:

Labcorp Genetics (formerly Invitae), Labcorp
Classification: Pathogenic for CHARGE syndrome. Last evaluated: 2021-04-11. Review status: criteria provided, single submitter. Criteria: Invitae Variant Classification Sherloc (09022015). Collection method: clinical testing. Allele origin: germline.
Comment: For these reasons, this variant has been classified as Pathogenic. This variant has not been reported in the literature in individuals with CHD7-related conditions. This variant is not present in population databases (ExAC no frequency). This sequence change creates a premature translational stop signal (p.Ser1808*) in the CHD7 gene. It is expected to result in an absent or disrupted protein product. Loss-of-function variants in CHD7 are known to be pathogenic (PMID: 22461308, 25077900).

Literature cited by the submitters: PubMed 22461308; PubMed 25077900.